The following is an entry in ClinVar:

ClinVar aggregate classification (germline): Uncertain significance (1 of 4 stars; one submission).

Conditions:
Perlman syndrome (PRLMNS). Identifiers: Orphanet 2849, MedGen C0796113, MONDO:0009965, OMIM 267000.

gnomAD v4.1: 3 of 1,614,180 alleles (0.00019%); highest among the groups gnomAD compares: South Asian, 0.0033%; no homozygotes.

Submission:

Labcorp Genetics (formerly Invitae), Labcorp
Classification: Uncertain significance for Perlman syndrome. Last evaluated: 2022-11-07. Review status: criteria provided, single submitter. Criteria: Invitae Variant Classification Sherloc (09022015). Collection method: clinical testing. Allele origin: germline.
Comment: This sequence change replaces glutamic acid, which is acidic and polar, with glutamine, which is neutral and polar, at codon 429 of the DIS3L2 protein (p.Glu429Gln). This variant is present in population databases (rs750852437, gnomAD 0.006%). This variant has not been reported in the literature in individuals affected with DIS3L2-related conditions. Advanced modeling of protein sequence and biophysical properties (such as structural, functional, and spatial information, amino acid conservation, physicochemical variation, residue mobility, and thermodynamic stability) performed at Invitae indicates that this missense variant is not expected to disrupt DIS3L2 protein function. In summary, the available evidence is currently insufficient to determine the role of this variant in disease. Therefore, it has been classified as a Variant of Uncertain Significance.

NM_152383.5(DIS3L2):c.1285G>C (p.Glu429Gln)

Gene: DIS3L2 (DIS3 like 3'-5' exoribonuclease 2; plus strand). Cytogenetic location: 2q37.1.
Variant type: single nucleotide variant.
Coding change: c.1285G>C on transcript NM_152383.5 (MANE Select); coding-DNA position 1285, G replaced by C.
Protein change: p.Glu429Gln; replaces glutamic acid 429 with glutamine.
Molecular consequence: missense variant. On other transcripts: non-coding transcript variant (2).
Genome position (GRCh38, 1-based): chr2:232,238,613, G>C. VCF-style: chr2-232238613-G-C. GRCh37 (hg19) VCF-style: chr2-233103323-G-C.
Other names: c.1285G>C, p.Glu429Gln (NM_001257281.2); short protein forms E429Q.
Identifiers: ClinVar variation 2881231 (VCV002881231.3), dbSNP rs750852437, ClinGen allele CA2164099.